The following is an entry in ClinVar:

NM_015662.3(IFT172):c.1225T>C (p.Cys409Arg)

Gene: IFT172 (intraflagellar transport 172; minus strand). Cytogenetic location: 2p23.3.
Variant type: single nucleotide variant.
Coding change: c.1225T>C on transcript NM_015662.3 (MANE Select); coding-DNA position 1225, T replaced by C.
Protein change: p.Cys409Arg; replaces cysteine 409 with arginine.
Molecular consequence: missense variant.
Genome position (GRCh38, 1-based): chr2:27,477,317, A>G on the plus strand (T>C on the coding strand, the complement: IFT172 is on the minus strand). VCF-style: chr2-27477317-A-G. GRCh37 (hg19) VCF-style: chr2-27700184-A-G.
Other names: c.1225T>C, p.Cys409Arg (NM_001410739.1); short protein forms C409R.
Identifiers: ClinVar variation 2935458 (VCV002935458.3), dbSNP rs1218425125, ClinGen allele CA346393926.

ClinVar aggregate classification (germline): Uncertain significance (1 of 4 stars; one submission).

Conditions:
Short-rib thoracic dysplasia 10 with or without polydactyly (SRTD10). Identifiers: Orphanet 474, MedGen C3810175, MONDO:0014284, OMIM 615630.
Retinitis pigmentosa 71 (RP71). Identifiers: Orphanet 791, MedGen C4225342, MONDO:0014618, OMIM 616394.

Allele frequency attached by ClinVar (database versions not stated): TOPMed below 0.00001; gnomAD exomes 0.00001.

Submission:

Labcorp Genetics (formerly Invitae), Labcorp
Classification: Uncertain significance for Retinitis pigmentosa 71; Short-rib thoracic dysplasia 10 with or without polydactyly. Last evaluated: 2024-01-02. Review status: criteria provided, single submitter. Criteria: Invitae Variant Classification Sherloc (09022015). Collection method: clinical testing. Allele origin: germline.
Comment: This sequence change replaces cysteine, which is neutral and slightly polar, with arginine, which is basic and polar, at codon 409 of the IFT172 protein (p.Cys409Arg). This variant is not present in population databases (gnomAD no frequency). This variant has not been reported in the literature in individuals affected with IFT172-related conditions. Advanced modeling of protein sequence and biophysical properties (such as structural, functional, and spatial information, amino acid conservation, physicochemical variation, residue mobility, and thermodynamic stability) performed at Invitae indicates that this missense variant is expected to disrupt IFT172 protein function with a positive predictive value of 80%. In summary, the available evidence is currently insufficient to determine the role of this variant in disease. Therefore, it has been classified as a Variant of Uncertain Significance.